The following is an entry in ClinVar:

ClinVar aggregate classification (germline): Uncertain significance (1 of 4 stars; one submission).

Conditions:
Oligodontia-cancer predisposition syndrome. Also called: TOOTH AGENESIS-COLORECTAL CANCER SYNDROME. Identifiers: Orphanet 300576, MedGen C1837750, MONDO:0012075, OMIM 608615. Disease mechanism: loss of function.

gnomAD v4.1: 1 of 1,611,094 alleles (0.000062%); no homozygotes.

Submission:

Labcorp Genetics (formerly Invitae), Labcorp
Classification: Uncertain significance for Oligodontia-cancer predisposition syndrome. Last evaluated: 2022-04-12. Review status: criteria provided, single submitter. Criteria: Invitae Variant Classification Sherloc (09022015). Collection method: clinical testing. Allele origin: germline.
Comment: This sequence change replaces proline, which is neutral and non-polar, with glutamine, which is neutral and polar, at codon 588 of the AXIN2 protein (p.Pro588Gln). This variant is not present in population databases (gnomAD no frequency). This variant has not been reported in the literature in individuals affected with AXIN2-related conditions. Algorithms developed to predict the effect of missense changes on protein structure and function (SIFT, PolyPhen-2, Align-GVGD) all suggest that this variant is likely to be tolerated. In summary, the available evidence is currently insufficient to determine the role of this variant in disease. Therefore, it has been classified as a Variant of Uncertain Significance.

NM_004655.4(AXIN2):c.1763C>A (p.Pro588Gln)

Gene: AXIN2 (axin 2; minus strand). Cytogenetic location: 17q24.1.
Variant type: single nucleotide variant.
Coding change: c.1763C>A on transcript NM_004655.4 (MANE Select); coding-DNA position 1763, C replaced by A.
Protein change: p.Pro588Gln; replaces proline 588 with glutamine.
Molecular consequence: missense variant. On other transcripts: intron variant (1).
Genome position (GRCh38, 1-based): chr17:65,537,013, G>T on the plus strand (C>A on the coding strand, the complement: AXIN2 is on the minus strand). VCF-style: chr17-65537013-G-T. GRCh37 (hg19) VCF-style: chr17-63533131-G-T.
Other names: c.1712+311C>A (NM_001363813.1); short protein forms P588Q.
Identifiers: ClinVar variation 2120029 (VCV002120029.4), dbSNP rs1305562386, ClinGen allele CA400676666.